The following is an entry in ClinVar:

NM_001134407.3(GRIN2A):c.*5112C>T

Gene: GRIN2A (glutamate ionotropic receptor NMDA type subunit 2A; minus strand). Cytogenetic location: 16p13.2.
Variant type: single nucleotide variant.
Coding change: c.*5112C>T on transcript NM_001134407.3 (MANE Select); 5112 bases downstream of the stop codon, C replaced by T.
Molecular consequence: 3 prime UTR variant.
Genome position (GRCh38, 1-based): chr16:9,758,037, G>A on the plus strand (C>T on the coding strand, the complement: GRIN2A is on the minus strand). VCF-style: chr16-9758037-G-A. GRCh37 (hg19) VCF-style: chr16-9851894-G-A.
Other names: c.*5112C>T (NM_000833.5); c.*5318C>T (NM_001134408.2).
Identifiers: ClinVar variation 321534 (VCV000321534.29), dbSNP rs553874602, ClinGen allele CA10638747.

ClinVar aggregate classification (germline): Benign. Review status: criteria provided, multiple submitters, no conflicts (2 of 4 stars). 2 submissions from 2 submitters: Benign (2). Last evaluated 2022-07-01.

Conditions:
Landau-Kleffner syndrome (FESD). Also called: EPILEPSY, FOCAL, WITH SPEECH DISORDER AND WITH OR WITHOUT MENTAL RETARDATION; APHASIA, ACQUIRED, WITH EPILEPSY. Identifiers: Orphanet 1945, Orphanet 725, Orphanet 98818, MedGen C0282512, MONDO:0009509, OMIM 245570.

Allele frequency attached by ClinVar (database versions not stated): gnomAD 0.00009 and 0.00015; TOPMed 0.00013; gnomAD exomes 0.00021; 1000 Genomes Project 30x 0.00062; 1000 Genomes Project 0.00060.
gnomAD v4.1: 37 of 214,002 alleles (0.017%); highest among the groups gnomAD compares: South Asian, 0.3%; no homozygotes.

Submissions (2):

CeGaT Center for Human Genetics Tuebingen
Classification: Benign. Last evaluated: 2022-07-01. Review status: criteria provided, single submitter. Criteria: CeGaT Center For Human Genetics Tuebingen Variant Classification Criteria Version 2. Collection method: clinical testing. Allele origin: germline. Affected: yes. Observed: 1 variant allele.
Comment: GRIN2A: BS1, BS2

Illumina Laboratory Services, Illumina
Classification: Benign for Landau-Kleffner syndrome. Last evaluated: 2018-01-12. Review status: criteria provided, single submitter. Criteria: ICSL Variant Classification Criteria 13 December 2019. Collection method: clinical testing. Allele origin: germline.
Comment: This variant was observed in the ICSL laboratory as part of a predisposition screen in an ostensibly healthy population. It had not been previously curated by ICSL or reported in the Human Gene Mutation Database (HGMD: prior to June 1st, 2018), and was therefore a candidate for classification through an automated scoring system. Utilizing variant allele frequency, disease prevalence and penetrance estimates, and inheritance mode, an automated score was calculated to assess if this variant is too frequent to cause the disease. Based on the score and internal cut-off values, a variant classified as benign is not then subjected to further curation. The score for this variant resulted in a classification of benign for this disease.